The following is an entry in ClinVar:

ClinVar aggregate classification (germline): Uncertain significance (1 of 4 stars; one submission).

Conditions:
6-Pyruvoyl-tetrahydrobiopterin synthase deficiency. Also called: BH4-deficient hyperphenylalaninemia A; Hyperphenylalanemia, BH4-deficient, A; Hyperphenylalaninemia due to 6-pyruvoyl-tetrahydropterin synthase deficiency; PTS-Related Tetrahydrobiopterin Deficiency; 6-Pyruvoyltetrahydropterin Synthase Deficiency; HYPERPHENYLALANINEMIA, TETRAHYDROBIOPTERIN-DEFICIENT, DUE TO PTS DEFICIENCY. Identifiers: Orphanet 13, Orphanet 238583, MedGen C0878676, MONDO:0009863, OMIM 261640.

Submission:

Labcorp Genetics (formerly Invitae), Labcorp
Classification: Uncertain significance for 6-Pyruvoyl-tetrahydrobiopterin synthase deficiency. Last evaluated: 2023-12-11. Review status: criteria provided, single submitter. Criteria: Invitae Variant Classification Sherloc (09022015). Collection method: clinical testing. Allele origin: germline.
Comment: This sequence change replaces glutamine, which is neutral and polar, with arginine, which is basic and polar, at codon 119 of the PTS protein (p.Gln119Arg). This variant is not present in population databases (gnomAD no frequency). This variant has not been reported in the literature in individuals affected with PTS-related conditions. ClinVar contains an entry for this variant (Variation ID: 2132909). An algorithm developed to predict the effect of missense changes on protein structure and function (PolyPhen-2) suggests that this variant is likely to be tolerated. In summary, the available evidence is currently insufficient to determine the role of this variant in disease. Therefore, it has been classified as a Variant of Uncertain Significance.

NM_000317.3(PTS):c.356A>G (p.Gln119Arg)

Gene: PTS (6-pyruvoyltetrahydropterin synthase; plus strand). Cytogenetic location: 11q23.1.
Variant type: single nucleotide variant.
Coding change: c.356A>G on transcript NM_000317.3 (MANE Select); coding-DNA position 356, A replaced by G.
Protein change: p.Gln119Arg; replaces glutamine 119 with arginine.
Molecular consequence: missense variant.
Genome position (GRCh38, 1-based): chr11:112,233,473, A>G. VCF-style: chr11-112233473-A-G. GRCh37 (hg19) VCF-style: chr11-112104196-A-G.
Other names: short protein forms Q119R.
Identifiers: ClinVar variation 2132909 (VCV002132909.4), dbSNP rs2496571426, ClinGen allele CA382628030.